The following is an entry in ClinVar:

NM_031206.7(LAS1L):c.1324G>T (p.Ala442Ser)

Gene: LAS1L (LAS1 like ribosome biogenesis factor; minus strand). Cytogenetic location: Xq12.
Variant type: single nucleotide variant.
Coding change: c.1324G>T on transcript NM_031206.7 (MANE Select); coding-DNA position 1324, G replaced by T.
Protein change: p.Ala442Ser; replaces alanine 442 with serine.
Molecular consequence: missense variant. On other transcripts: non-coding transcript variant (3).
Genome position (GRCh38, 1-based): chrX:65,523,684, C>A on the plus strand (G>T on the coding strand, the complement: LAS1L is on the minus strand). VCF-style: chrX-65523684-C-A. GRCh37 (hg19) VCF-style: chrX-64743564-C-A.
Other names: c.1273G>T, p.Ala425Ser (NM_001170649.2, NM_001375331.1, NM_001375333.1 and 4 more transcripts); c.1147G>T, p.Ala383Ser (NM_001170650.2); c.1324G>T, p.Ala442Ser (NM_001375328.1, NM_001375329.1, NM_001375330.1 and 3 more transcripts); c.367G>T, p.Ala123Ser (NM_001375332.1); short protein forms A123S, A383S, A425S, A442S.
Identifiers: ClinVar variation 5017011 (VCV005017011.1).

ClinVar aggregate classification (germline): Uncertain significance (1 of 4 stars; one submission).

gnomAD v4.1: 1 of 1,195,487 alleles (0.000084%); highest among the groups gnomAD compares: Non-Finnish European, 0.00011%; no homozygotes.

Submission:

GeneDx
Classification: Uncertain significance. Last evaluated: 2026-03-25. Review status: criteria provided, single submitter. Criteria: GeneDx Variant Classification Process June 2021. Collection method: clinical testing. Allele origin: germline.
Comment: Not observed at significant frequency in large population cohorts (gnomAD); In silico analysis suggests that this missense variant does not alter protein structure/function; Has not been previously published as pathogenic or benign to our knowledge